The following is an entry in ClinVar:

NM_000051.4(ATM):c.6866C>A (p.Ser2289Tyr)

Genes: ATM (ATM serine/threonine kinase; plus strand), C11orf65 (chromosome 11 open reading frame 65; minus strand). Cytogenetic location: 11q22.3.
Variant type: single nucleotide variant.
Coding change: c.6866C>A on transcript NM_000051.4 (MANE Select); coding-DNA position 6866, C replaced by A.
Protein change: p.Ser2289Tyr; replaces serine 2289 with tyrosine.
Molecular consequence: missense variant. On other transcripts: intron variant (2).
Genome position (GRCh38, 1-based): chr11:108,326,116, C>A. VCF-style: chr11-108326116-C-A. GRCh37 (hg19) VCF-style: chr11-108196843-C-A.
Other names: c.641-17045G>T (NM_001330368.2); c.*38+9104G>T (NM_001351110.2); c.6866C>A, p.Ser2289Tyr (NM_001351834.2); short protein forms S2289Y.
Identifiers: ClinVar variation 3802004 (VCV003802004.1).

ClinVar aggregate classification (germline): Uncertain significance (1 of 4 stars; one submission).

Conditions:
Hereditary cancer-predisposing syndrome. Also called: Neoplastic Syndromes, Hereditary; Tumor predisposition; Hereditary Cancer Syndrome; Hereditary neoplastic syndrome. Identifiers: Orphanet 140162, MedGen C0027672, MeSH D009386, MONDO:0015356.

Submission:

Ambry Genetics
Classification: Uncertain significance for Hereditary cancer-predisposing syndrome. Last evaluated: 2025-01-17. Review status: criteria provided, single submitter. Criteria: Ambry Variant Classification Scheme 2023. Collection method: clinical testing. Allele origin: germline.
Comment: The p.S2289Y variant (also known as c.6866C>A), located in coding exon 46 of the ATM gene, results from a C to A substitution at nucleotide position 6866. The serine at codon 2289 is replaced by tyrosine, an amino acid with dissimilar properties. This amino acid position is conserved. In addition, the in silico prediction for this alteration is inconclusive. Based on the available evidence, the clinical significance of this variant remains unclear.